The following is an entry in ClinVar:

NM_000057.4(BLM):c.1303C>G (p.Leu435Val)

Gene: BLM (BLM RecQ like helicase; plus strand). Cytogenetic location: 15q26.1.
Variant type: single nucleotide variant.
Coding change: c.1303C>G on transcript NM_000057.4 (MANE Select); coding-DNA position 1303, C replaced by G.
Protein change: p.Leu435Val; replaces leucine 435 with valine.
Molecular consequence: missense variant.
Genome position (GRCh38, 1-based): chr15:90,760,676, C>G. VCF-style: chr15-90760676-C-G. GRCh37 (hg19) VCF-style: chr15-91303906-C-G.
Other names: c.1303C>G, p.Leu435Val (NM_001287246.2, NM_001287247.2); c.178C>G, p.Leu60Val (NM_001287248.2); short protein forms L60V, L435V.
Identifiers: ClinVar variation 2586902 (VCV002586902.2), dbSNP rs755256088, ClinGen allele CA393842769.
Genomic context (GRCh38, chr15:90,760,676, plus strand): 5'-GATTTTAATAAAAGTGATGCCAGTCTTCTTGGCTCATTGTGGAGATACAGGCCTGATTCA[C>G]TTGATGGCCCTATGGAGGGTGATTCCTGCCCTACAGGGAATTCTATGAAGGAGTTAAATT-3'
Protein context (NP_000048.1, residues 425-445): GSLWRYRPDS[Leu435Val]DGPMEGDSCP

ClinVar aggregate classification (germline): Uncertain significance (1 of 4 stars; one submission).

Conditions:
Hereditary cancer-predisposing syndrome. Also called: Hereditary neoplastic syndrome; Tumor predisposition; Hereditary Cancer Syndrome; Neoplastic Syndromes, Hereditary. Identifiers: Orphanet 140162, MedGen C0027672, MeSH D009386, MONDO:0015356.

Submission:

Ambry Genetics
Classification: Uncertain significance for Hereditary cancer-predisposing syndrome. Last evaluated: 2023-08-30. Review status: criteria provided, single submitter. Criteria: Ambry Variant Classification Scheme 2023. Collection method: clinical testing. Allele origin: germline.
Comment: The p.L435V variant (also known as c.1303C>G), located in coding exon 6 of the BLM gene, results from a C to G substitution at nucleotide position 1303. The leucine at codon 435 is replaced by valine, an amino acid with highly similar properties. This amino acid position is conserved. In addition, this alteration is predicted to be tolerated by in silico analysis. Since supporting evidence is limited at this time, the clinical significance of this alteration remains unclear.